The following is an entry in ClinVar:

NM_025179.4(PLXNA2):c.2624G>A (p.Arg875Gln)

Gene: PLXNA2 (plexin A2; minus strand). Cytogenetic location: 1q32.2.
Variant type: single nucleotide variant.
Coding change: c.2624G>A on transcript NM_025179.4 (MANE Select); coding-DNA position 2624, G replaced by A.
Protein change: p.Arg875Gln; replaces arginine 875 with glutamine.
Molecular consequence: missense variant.
Genome position (GRCh38, 1-based): chr1:208,060,800, C>T on the plus strand (G>A on the coding strand, the complement: PLXNA2 is on the minus strand). VCF-style: chr1-208060800-C-T. GRCh37 (hg19) VCF-style: chr1-208234145-C-T.
Other names: c.2624G>A (NM_025179.3); short protein forms R875Q.
Identifiers: ClinVar variation 1925310 (VCV001925310.6), dbSNP rs766663884, ClinGen allele CA1373447.

ClinVar aggregate classification (germline): Uncertain significance. Review status: criteria provided, multiple submitters, no conflicts (2 of 4 stars). 2 submissions from 2 submitters: Uncertain significance (2). Last evaluated 2026-04-04.

Conditions:
PLXNA2-related disorder. Also called: PLXNA2-related condition.

Allele frequency attached by ClinVar (database versions not stated): ExAC 0.00001; TOPMed 0.00001.
gnomAD v4.1: 150 of 1,613,950 alleles (0.0093%); highest among the groups gnomAD compares: Non-Finnish European, 0.012%; 1 homozygote.

Submissions (2):

PreventionGenetics, part of Exact Sciences
Classification: Uncertain significance for PLXNA2-related condition. Last evaluated: 2026-04-04. Review status: criteria provided, single submitter. Criteria: ACMG Guidelines, 2015. Collection method: clinical testing. Allele origin: germline.
Comment: The PLXNA2 c.2624G>A variant is predicted to result in the amino acid substitution p.Arg875Gln. To our knowledge, this variant has not been reported in the literature. This variant is reported in 0.0044% of alleles in individuals of European (Non-Finnish) descent in gnomAD. At this time, the clinical significance of this variant is uncertain due to the absence of conclusive functional and genetic evidence.

Labcorp Genetics (formerly Invitae), Labcorp
Classification: Uncertain significance. Last evaluated: 2024-08-05. Review status: criteria provided, single submitter. Criteria: Invitae Variant Classification Sherloc (09022015). Collection method: clinical testing. Allele origin: germline.
Comment: This sequence change replaces arginine, which is basic and polar, with glutamine, which is neutral and polar, at codon 875 of the PLXNA2 protein (p.Arg875Gln). This variant is present in population databases (rs766663884, gnomAD 0.004%). This variant has not been reported in the literature in individuals affected with PLXNA2-related conditions. ClinVar contains an entry for this variant (Variation ID: 1925310). Advanced modeling of protein sequence and biophysical properties (such as structural, functional, and spatial information, amino acid conservation, physicochemical variation, residue mobility, and thermodynamic stability) performed at Invitae indicates that this missense variant is not expected to disrupt PLXNA2 protein function with a negative predictive value of 80%. In summary, the available evidence is currently insufficient to determine the role of this variant in disease. Therefore, it has been classified as a Variant of Uncertain Significance.